The following is an entry in ClinVar:

ClinVar aggregate classification (germline): Uncertain significance (1 of 4 stars; one submission).

gnomAD v4.1: 7 of 1,210,360 alleles (0.00058%); highest among the groups gnomAD compares: Non-Finnish European, 0.00078%; no homozygotes.

Submission:

Ambry Genetics
Classification: Uncertain significance. Last evaluated: 2026-04-01. Review status: criteria provided, single submitter. Criteria: Ambry Variant Classification Scheme 2023. Collection method: clinical testing. Allele origin: germline.
Comment: The c.943C>T (p.P315S) alteration is located in exon 7 (coding exon 7) of the SRPX gene. This alteration results from a C to T substitution at nucleotide position 943, causing the proline (P) at amino acid position 315 to be replaced by a serine (S). Based on data from gnomAD, the T allele has an overall frequency of <0.001% (0/175565) total alleles studied. The highest observed frequency was <0.001% (/) of alleles. Based on insufficient or conflicting evidence, the clinical significance of this alteration remains unclear.

NM_006307.5(SRPX):c.943C>T (p.Pro315Ser)

Gene: SRPX (sushi repeat containing protein X-linked; minus strand). Cytogenetic location: Xp11.4.
Variant type: single nucleotide variant.
Coding change: c.943C>T on transcript NM_006307.5 (MANE Select); coding-DNA position 943, C replaced by T.
Protein change: p.Pro315Ser; replaces proline 315 with serine.
Molecular consequence: missense variant.
Genome position (GRCh38, 1-based): chrX:38,160,029, G>A on the plus strand (C>T on the coding strand, the complement: SRPX is on the minus strand). VCF-style: chrX-38160029-G-A. GRCh37 (hg19) VCF-style: chrX-38019282-G-A.
Other names: c.883C>T, p.Pro295Ser (NM_001170750.2); c.766C>T, p.Pro256Ser (NM_001170751.2); c.943C>T, p.Pro315Ser (NM_001170752.2); short protein forms P256S, P295S, P315S.
Identifiers: ClinVar variation 4865163 (VCV004865163.1).